The following is an entry in ClinVar:

ClinVar aggregate classification (germline): Likely pathogenic (1 of 4 stars; one submission).

Conditions:
Primary ciliary dyskinesia. Also called: Ciliary dyskinesia. Identifiers: Orphanet 244, MedGen C0008780, MONDO:0016575, HP:0012265.

gnomAD v4.1: 2 of 1,614,068 alleles (0.00012%); highest among the groups gnomAD compares: Non-Finnish European, 0.00017%; no homozygotes.

Submission:

Natera, Inc.
Classification: Likely pathogenic for Primary ciliary dyskinesia. Last evaluated: 2025-03-17. Review status: criteria provided, single submitter. Criteria: Natera Variant Classification Schema (03/2026). Collection method: clinical testing. Allele origin: germline.
Comment: The c.1114A>T variant in DNAI2 is a nonsense variant predicted to introduce a stop codon at amino acid 372. This variant is expected to result in nonsense mediated decay, truncation, or a dysfunctional protein product. This variant is rare in the general population with a frequency below the threshold expected for the associated phenotype(s). Given the available evidence, this variant is classified as Likely Pathogenic.

NM_023036.6(DNAI2):c.1114A>T (p.Arg372Ter)

Gene: DNAI2 (dynein axonemal intermediate chain 2; plus strand). Cytogenetic location: 17q25.1.
Variant type: single nucleotide variant.
Coding change: c.1114A>T on transcript NM_023036.6 (MANE Select); coding-DNA position 1114, A replaced by T.
Protein change: p.Arg372Ter; replaces arginine 372 with a stop codon.
Molecular consequence: nonsense. On other transcripts: non-coding transcript variant (1).
Genome position (GRCh38, 1-based): chr17:74,305,345, A>T. VCF-style: chr17-74305345-A-T. GRCh37 (hg19) VCF-style: chr17-72301484-A-T.
Other names: c.1114A>T, p.Arg372Ter (NM_001172810.3, NM_001353167.2); short protein forms R372*.
Identifiers: ClinVar variation 4066947 (VCV004066947.2).
Genomic context (GRCh38, chr17:74,305,345, plus strand): 5'-TCAGCTGAAAAGATTGTGTGCACCTTCCCGGGCCATCATGGCCCCATCTACGCCCTCCAG[A>T]GAAACCCCTTCTACCCGAAGAACTTCCTGACGGTTGGCGACTGGACAGCCCGCATTTGGT-3'